The following is an entry in ClinVar:

NM_001368894.2(PAX6):c.1074+5G>T

Gene: PAX6 (paired box 6; minus strand). Cytogenetic location: 11p13.
Variant type: single nucleotide variant.
Coding change: c.1074+5G>T on transcript NM_001368894.2 (MANE Select); 5 bases into the intron after coding-DNA position 1074, G replaced by T.
Molecular consequence: intron variant. On other transcripts: missense variant (1).
Genome position (GRCh38, 1-based): chr11:31,793,433, C>A on the plus strand (G>T on the coding strand, the complement: PAX6 is on the minus strand). VCF-style: chr11-31793433-C-A. GRCh37 (hg19) VCF-style: chr11-31814981-C-A.
Other names: c.1037G>T, p.Ser346Ile (NM_001310159.1); c.1032+5G>T (NM_001127612.3, NM_001368890.2, NM_001368888.2 and 9 more transcripts); c.873+5G>T (NM_001368921.2, NM_001368923.2, NM_001368926.2 and 4 more transcripts); c.1074+5G>T (NM_001258462.3, NM_001310158.2, NM_001258463.2 and 6 more transcripts); c.1149+5G>T (NM_001368919.2, NM_001368918.2); c.1275+5G>T (NM_001368910.2); c.624+5G>T (NM_001368909.2, NM_001368904.2, NM_001368905.2 and 11 more transcripts); c.1077+5G>T (NM_001368911.2); and 3 more; short protein forms S346I.
Identifiers: ClinVar variation 4292510 (VCV004292510.1).

ClinVar aggregate classification (germline): Uncertain significance (1 of 4 stars; one submission).

Conditions:
Aniridia 1 (AN1). Identifiers: Orphanet 250923, MedGen C0344542, MONDO:0024507, OMIM 106210.

Submission:

3billion
Classification: Uncertain significance for Aniridia 1. Last evaluated: 2024-09-23. Review status: criteria provided, single submitter. Criteria: ACMG Guidelines, 2015. Collection method: clinical testing. Allele origin: germline. Affected: yes.
Comment: The variant is not observed in the gnomAD v4.1.0 dataset. Predicted Consequence/Location: Intron variant In silico tools predict the variant to alter splicing and produce an abnormal transcript [SpliceAI: 0.40 (>=0.2, moderate evidence for spliceogenicity)]. Therefore, this variant is classified as VUS according to the recommendation of ACMG/AMP guideline.